The following is an entry in ClinVar:

ClinVar aggregate classification (germline): Uncertain significance (1 of 4 stars; one submission).

Conditions:
MHC class I deficiency. Identifiers: Orphanet 34592, MedGen C6024714, MONDO:0011476.

Allele frequency attached by ClinVar (database versions not stated): gnomAD exomes 0.00001.

Submission:

Labcorp Genetics (formerly Invitae), Labcorp
Classification: Uncertain significance for MHC class I deficiency 1. Last evaluated: 2023-02-08. Review status: criteria provided, single submitter. Criteria: Invitae Variant Classification Sherloc (09022015). Collection method: clinical testing. Allele origin: germline.
Comment: This sequence change replaces proline, which is neutral and non-polar, with serine, which is neutral and polar, at codon 55 of the TAPBP protein (p.Pro55Ser). This variant is not present in population databases (gnomAD no frequency). This variant has not been reported in the literature in individuals affected with TAPBP-related conditions. Algorithms developed to predict the effect of missense changes on protein structure and function are either unavailable or do not agree on the potential impact of this missense change (SIFT: "Tolerated"; PolyPhen-2: "Possibly Damaging"; Align-GVGD: "Class C0"). In summary, the available evidence is currently insufficient to determine the role of this variant in disease. Therefore, it has been classified as a Variant of Uncertain Significance.

NM_003190.5(TAPBP):c.163C>T (p.Pro55Ser)

Gene: TAPBP (TAP binding protein; minus strand). Cytogenetic location: 6p21.32.
Variant type: single nucleotide variant.
Coding change: c.163C>T on transcript NM_003190.5 (MANE Select); coding-DNA position 163, C replaced by T.
Protein change: p.Pro55Ser; replaces proline 55 with serine.
Molecular consequence: missense variant.
Genome position (GRCh38, 1-based): chr6:33,313,739, G>A on the plus strand (C>T on the coding strand, the complement: TAPBP is on the minus strand). VCF-style: chr6-33313739-G-A. GRCh37 (hg19) VCF-style: chr6-33281516-G-A.
Other names: c.163C>T, p.Pro55Ser (NM_001410875.1, NM_172208.3, NM_172209.3); short protein forms P55S.
Identifiers: ClinVar variation 2776022 (VCV002776022.3), dbSNP rs1306642119, ClinGen allele CA363622320.